The following is an entry in ClinVar:

NM_015937.6(PIGT):c.417C>T (p.Cys139=)

Gene: PIGT (phosphatidylinositol glycan anchor biosynthesis class T; plus strand). Cytogenetic location: 20q13.12.
Variant type: single nucleotide variant.
Coding change: c.417C>T on transcript NM_015937.6 (MANE Select); coding-DNA position 417, C replaced by T.
Protein change: p.Cys139=; no amino-acid change (cysteine 139 retained).
Molecular consequence: synonymous variant. On other transcripts: non-coding transcript variant (3), intron variant (2).
Genome position (GRCh38, 1-based): chr20:45,418,903, C>T. VCF-style: chr20-45418903-C-T. GRCh37 (hg19) VCF-style: chr20-44047543-C-T.
Other names: c.417C>T, p.Cys139= (NM_001184729.3); c.326-392C>T (NM_001184728.3); c.188-392C>T (NM_001184730.3).
Identifiers: ClinVar variation 1089894 (VCV001089894.15), dbSNP rs150090118, ClinGen allele CA9877870.
Genomic context (GRCh38, chr20:45,418,903, plus strand): 5'-TCTATCCAGTGTGGATAAATCTTGGAAGGAGCTCAGTAATGTCCTCTCAGGGATCTTCTG[C>T]GCCTCTCTCAACTTCATCGACTCCACCAACACAGTCACTCCCACTGCCTCCTTCAAACCC-3'
Protein context (NP_057021.2, residues 129-149): ELSNVLSGIF[Cys139=]ASLNFIDSTN

ClinVar aggregate classification (germline): Likely benign. Review status: criteria provided, multiple submitters, no conflicts (2 of 4 stars). 2 submissions from 2 submitters: Likely benign (2). Last evaluated 2025-10-01.

Conditions:
Multiple congenital anomalies-hypotonia-seizures syndrome 3 (MCAHS3). Also called: GLYCOSYLPHOSPHATIDYLINOSITOL BIOSYNTHESIS DEFECT 7. Identifiers: Orphanet 369837, MedGen C3809356, MONDO:0014165, OMIM 615398.

Allele frequency attached by ClinVar (database versions not stated): gnomAD 0.00002 and 0.00003; gnomAD exomes 0.00002 and 0.00006; TOPMed 0.00004; ExAC 0.00007; ESP Exome Variant Server 0.00015; 1000 Genomes Project 0.00020; 1000 Genomes Project 30x 0.00031.
gnomAD v4.1: 42 of 1,613,904 alleles (0.0026%); highest among the groups gnomAD compares: East Asian, 0.047%; 1 homozygote.

Submissions (2):

CeGaT Center for Human Genetics Tuebingen
Classification: Likely benign. Last evaluated: 2025-10-01. Review status: criteria provided, single submitter. Criteria: CeGaT Center For Human Genetics Tuebingen Variant Classification Criteria Version 2. Collection method: clinical testing. Allele origin: germline. Affected: yes. Observed: 1 variant allele.
Comment: PIGT: BP4, BP7

Labcorp Genetics (formerly Invitae), Labcorp
Classification: Likely benign for Multiple congenital anomalies-hypotonia-seizures syndrome 3. Last evaluated: 2023-08-04. Review status: criteria provided, single submitter. Criteria: Invitae Variant Classification Sherloc (09022015). Collection method: clinical testing. Allele origin: germline.